The following is an entry in ClinVar:

NM_024989.4(PGAP1):c.1981G>C (p.Val661Leu)

Gene: PGAP1 (post-GPI attachment to proteins inositol deacylase 1; minus strand). Cytogenetic location: 2q33.1.
Variant type: single nucleotide variant.
Coding change: c.1981G>C on transcript NM_024989.4 (MANE Select); coding-DNA position 1981, G replaced by C.
Protein change: p.Val661Leu; replaces valine 661 with leucine.
Molecular consequence: missense variant.
Genome position (GRCh38, 1-based): chr2:196,847,172, C>G on the plus strand (G>C on the coding strand, the complement: PGAP1 is on the minus strand). VCF-style: chr2-196847172-C-G. GRCh37 (hg19) VCF-style: chr2-197711896-C-G.
Other names: c.1459G>C, p.Val487Leu (NM_001321099.2); c.814G>C, p.Val272Leu (NM_001321100.2); short protein forms V272L, V487L, V661L.
Identifiers: ClinVar variation 2183519 (VCV002183519.4), dbSNP rs757171896, ClinGen allele CA350187284.

ClinVar aggregate classification (germline): Uncertain significance (1 of 4 stars; one submission).

Conditions:
Intellectual disability, autosomal recessive 42 (NEDDSBA). Also called: GLYCOSYLPHOSPHATIDYLINOSITOL BIOSYNTHESIS DEFECT 9; Neurodevelopmental disorder with dysmorphic features, spasticity, and brain abnormalities. Identifiers: Orphanet 88616, MedGen C4014343, MONDO:0014348, OMIM 615802.

Allele frequency attached by ClinVar (database versions not stated): TOPMed below 0.00001.
gnomAD v4.1: 1 of 1,612,730 alleles (0.000062%); highest among the groups gnomAD compares: Admixed American, 0.0017%; no homozygotes.

Submission:

Labcorp Genetics (formerly Invitae), Labcorp
Classification: Uncertain significance for Intellectual disability, autosomal recessive 42. Last evaluated: 2026-01-19. Review status: criteria provided, single submitter. Criteria: Invitae Variant Classification Sherloc (09022015). Collection method: clinical testing. Allele origin: germline.
Comment: This sequence change replaces valine, which is neutral and non-polar, with leucine, which is neutral and non-polar, at codon 661 of the PGAP1 protein (p.Val661Leu). This variant is not present in population databases (gnomAD no frequency). This variant has not been reported in the literature in individuals affected with PGAP1-related conditions. ClinVar contains an entry for this variant (Variation ID: 2183519). Invitae Evidence Modeling of protein sequence and biophysical properties (such as structural, functional, and spatial information, amino acid conservation, physicochemical variation, residue mobility, and thermodynamic stability) indicates that this missense variant is not expected to disrupt PGAP1 protein function with a negative predictive value of 80%. In summary, the available evidence is currently insufficient to determine the role of this variant in disease. Therefore, it has been classified as a Variant of Uncertain Significance.